The following is an entry in ClinVar:

ClinVar aggregate classification (germline): Uncertain significance (1 of 4 stars; one submission).

Conditions:
PROM1-related disorder. Also called: PROM1-related disorders; PROM1-related condition.

gnomAD v4.1: 4 of 1,606,278 alleles (0.00025%); highest among the groups gnomAD compares: Non-Finnish European, 0.00025%; no homozygotes.

Submission:

PreventionGenetics, part of Exact Sciences
Classification: Uncertain significance for PROM1-related condition. Last evaluated: 2026-09-14. Review status: criteria provided, single submitter. Criteria: ACMG Guidelines, 2015. Collection method: clinical testing. Allele origin: germline.
Comment: The PROM1 c.1983G>C variant is predicted to result in the amino acid substitution p.Leu661Phe. To our knowledge, this variant has not been reported in the literature. This variant is reported in 0.00090% of alleles in individuals of European (Non-Finnish) descent in gnomAD. At this time, the clinical significance of this variant is uncertain due to the absence of conclusive functional and genetic evidence.

NM_006017.3(PROM1):c.1983G>C (p.Leu661Phe)

Gene: PROM1 (prominin 1; minus strand). Cytogenetic location: 4p15.32.
Variant type: single nucleotide variant.
Coding change: c.1983G>C on transcript NM_006017.3 (MANE Select); coding-DNA position 1983, G replaced by C.
Protein change: p.Leu661Phe; replaces leucine 661 with phenylalanine.
Molecular consequence: missense variant. On other transcripts: non-coding transcript variant (2), intron variant (1).
Genome position (GRCh38, 1-based): chr4:15,991,222, C>G on the plus strand (G>C on the coding strand, the complement: PROM1 is on the minus strand). VCF-style: chr4-15991222-C-G. GRCh37 (hg19) VCF-style: chr4-15992845-C-G.
Other names: c.1956G>C, p.Leu652Phe (NM_001145847.2, NM_001145848.2, NM_001145851.2 and 7 more transcripts); c.1983G>C, p.Leu661Phe (NM_001145849.2, NM_001145850.2); c.1872G>C, p.Leu624Phe (NM_001441174.1); c.1851G>C, p.Leu617Phe (NM_001441177.1); c.1617G>C, p.Leu539Phe (NM_001441179.1); c.1884+1026G>C (NM_001441178.1); short protein forms L539F, L661F, L624F, L617F, L652F.
Identifiers: ClinVar variation 4983440 (VCV004983440.1).